The following is an entry in ClinVar:

ClinVar aggregate classification (germline): Pathogenic/Likely pathogenic. Review status: criteria provided, multiple submitters, no conflicts (2 of 4 stars). 4 submissions from 4 submitters: Pathogenic (1); Likely pathogenic (2). 1 of the submissions does not count toward it. Last evaluated 2025-07-15.

Conditions:
Hereditary breast ovarian cancer syndrome. Also called: Hereditary breast and ovarian cancer syndrome; Hereditary breast and ovarian cancer; Hereditary breast and ovarian cancer syndrome (HBOC); Breast and ovarian cancer; Hereditary breast and/or ovarian cancer syndrome; BRCA1- and BRCA2-Associated Hereditary Breast and Ovarian Cancer. Identifiers: Orphanet 145, MedGen C0677776, MeSH D061325, MONDO:0003582. Disease mechanism: loss of function.
Hereditary cancer-predisposing syndrome. Also called: Neoplastic Syndromes, Hereditary; Tumor predisposition; Hereditary neoplastic syndrome; Hereditary Cancer Syndrome. Identifiers: Orphanet 140162, MedGen C0027672, MeSH D009386, MONDO:0015356.
Breast-ovarian cancer, familial, susceptibility to, 2 (BROVCA2). Also called: BRCA2 Hereditary Breast and Ovarian Cancer. Identifiers: Orphanet 145, MedGen C2675520, MONDO:0012933, OMIM 612555. Disease mechanism: loss of function.

Submissions (4):

Color Diagnostics, LLC DBA Color Health
Classification: Likely pathogenic for Hereditary cancer-predisposing syndrome. Last evaluated: 2025-07-15. Review status: criteria provided, single submitter. Criteria: ACMG Guidelines, 2015. Collection method: clinical testing. Allele origin: germline.
Comment: This variant causes an A to G nucleotide substitution at the -2 position of intron 26 of the BRCA2 gene. A mini-gene splicing assay has reported that this variant abolishes the reference intron 26 acceptor site and activates two cryptic acceptor sites in the downstream terminal exon 27 (PMID: 25382762). The net impacts are deletions in the C-terminus of the DNA binding domain and a premature truncation of the variant protein. This variant is expected to result in an absent or non-functional protein product. This variant has been reported in a suspected hereditary breast and ovarian cancer family (PMID: 31209999). This variant has not been identified in the general population by the Genome Aggregation Database (gnomAD). Based on the available evidence, this variant is classified as Likely Pathogenic.

Ambry Genetics
Classification: Likely pathogenic for Hereditary cancer-predisposing syndrome. Last evaluated: 2025-06-26. Review status: criteria provided, single submitter. Criteria: Ambry Variant Classification Scheme 2023. Collection method: clinical testing. Allele origin: germline.
Comment: The c.9649-2A>G intronic variant results from an A to G substitution two nucleotides upstream from coding exon 26 in the BRCA2 gene. This variant has been reported in at least one family who underwent genetic testing for BRCA1/2, however no phenotypic description was provided (Laitman Y et al. Hum Mutat. 2019 Nov;40(11):e1-e23). This variant is considered to be rare based on population cohorts in the Genome Aggregation Database (gnomAD). This nucleotide position is highly conserved in available vertebrate species. In silico splice site analysis predicts that this alteration will weaken the native splice acceptor site. RNA studies have demonstrated that this alteration results in abnormal splicing in the set of samples tested (Acedo A et al. Hum Mutat. 2015 Feb;36(2):210-21; Ambry internal data). Based on the majority of available evidence to date, this variant is likely to be pathogenic.

Labcorp Genetics (formerly Invitae), Labcorp
Classification: Pathogenic for Hereditary breast ovarian cancer syndrome. Last evaluated: 2024-06-11. Review status: criteria provided, single submitter. Criteria: Invitae Variant Classification Sherloc (09022015). Collection method: clinical testing. Allele origin: germline.
Comment: This sequence change affects an acceptor splice site in intron 26 of the BRCA2 gene. RNA analysis indicates that disruption of this splice site induces altered splicing and likely disrupts the C-terminus of the protein. This variant is not present in population databases (gnomAD no frequency). Disruption of this splice site has been observed in individual(s) with BRCA2-related conditions (PMID: 31209999, 36113475). ClinVar contains an entry for this variant (Variation ID: 52885). Variants that disrupt the consensus splice site are a relatively common cause of aberrant splicing (PMID: 17576681, 9536098). Studies have shown that disruption of this splice site results in activation of a cryptic splice site and introduces a new termination codon (PMID: 25382762; Invitae). However the mRNA is not expected to undergo nonsense-mediated decay. This variant disrupts a region of the BRCA2 protein in which other variant(s) (p.Tyr3308*) have been determined to be pathogenic (PMID: 17026620, 18593900, 18607349, 22711857). This suggests that this is a clinically significant region of the protein, and that variants that disrupt it are likely to be disease-causing. For these reasons, this variant has been classified as Pathogenic.

Breast Cancer Information Core (BIC) (BRCA2)
Classification: Pathogenic for Breast-ovarian cancer, familial 2. Last evaluated: 2003-12-23. Review status: no assertion criteria provided. Collection method: clinical testing. Allele origin: germline. Affected: yes. Observed: 1 variant allele. Not counted in ClinVar's aggregate classification.

Literature cited by the submitters: PubMed 25382762 (cited by 3 submitters); PubMed 31209999 (cited by 3 submitters); PubMed 36113475 (cited by Labcorp Genetics (formerly Invitae), Labcorp); PubMed 17576681 (cited by Labcorp Genetics (formerly Invitae), Labcorp); PubMed 9536098 (cited by Labcorp Genetics (formerly Invitae), Labcorp); PubMed 17026620 (cited by Labcorp Genetics (formerly Invitae), Labcorp); PubMed 18593900 (cited by Labcorp Genetics (formerly Invitae), Labcorp); PubMed 18607349 (cited by Labcorp Genetics (formerly Invitae), Labcorp); PubMed 22711857 (cited by Labcorp Genetics (formerly Invitae), Labcorp).

NM_000059.4(BRCA2):c.9649-2A>G

Gene: BRCA2 (BRCA2 DNA repair associated; plus strand). Cytogenetic location: 13q13.1.
Variant type: single nucleotide variant.
Coding change: c.9649-2A>G on transcript NM_000059.4 (MANE Select); the canonical splice acceptor site of the intron before coding-DNA position 9649, A replaced by G.
Molecular consequence: splice acceptor variant.
Genome position (GRCh38, 1-based): chr13:32,398,160, A>G. VCF-style: chr13-32398160-A-G. GRCh37 (hg19) VCF-style: chr13-32972297-A-G.
Other names: IVS26-2A>G; c.9598-2A>G (NM_001406720.1); c.9553-2A>G (NM_001406719.1); c.4717-2A>G (NM_001406721.1); c.3232-2A>G (NM_001406722.1).
Identifiers: ClinVar variation 52885 (VCV000052885.7), dbSNP rs81002895, ClinGen allele CA026253.